The following is an entry in ClinVar:

ClinVar aggregate classification (germline): Uncertain significance. Review status: criteria provided, multiple submitters, no conflicts (2 of 4 stars). 2 submissions from 2 submitters: Uncertain significance (2). Last evaluated 2024-11-13.

Conditions:
Familial cancer of breast. Also called: BREAST CANCER, FAMILIAL; Hereditary breast cancer; hereditary breast carcinoma. Identifiers: Orphanet 227535, MedGen C0346153, MONDO:0016419, OMIM 114480. Disease mechanism: loss of function.
Fanconi anemia complementation group J. Also called: BRIP1-Related Fanconi Anemia. Identifiers: Orphanet 84, MedGen C1836860, MONDO:0012187, OMIM 609054.

gnomAD v4.1: 1 of 1,614,130 alleles (0.000062%); highest among the groups gnomAD compares: Admixed American, 0.0017%; no homozygotes.

Submissions (2):

Labcorp Genetics (formerly Invitae), Labcorp
Classification: Uncertain significance for Familial cancer of breast; Fanconi anemia complementation group J. Last evaluated: 2024-11-13. Review status: criteria provided, single submitter. Criteria: Invitae Variant Classification Sherloc (09022015). Collection method: clinical testing. Allele origin: germline.
Comment: This sequence change replaces serine, which is neutral and polar, with asparagine, which is neutral and polar, at codon 688 of the BRIP1 protein (p.Ser688Asn). This variant is not present in population databases (gnomAD no frequency). This variant has not been reported in the literature in individuals affected with BRIP1-related conditions. ClinVar contains an entry for this variant (Variation ID: 1717032). Invitae Evidence Modeling of protein sequence and biophysical properties (such as structural, functional, and spatial information, amino acid conservation, physicochemical variation, residue mobility, and thermodynamic stability) indicates that this missense variant is not expected to disrupt BRIP1 protein function with a negative predictive value of 95%. In summary, the available evidence is currently insufficient to determine the role of this variant in disease. Therefore, it has been classified as a Variant of Uncertain Significance.

Baylor Genetics
Classification: Uncertain significance for Familial cancer of breast. Last evaluated: 2023-12-07. Review status: criteria provided, single submitter. Criteria: ACMG Guidelines, 2015. Collection method: clinical testing. Allele origin: unknown.

NM_032043.3(BRIP1):c.2063G>A (p.Ser688Asn)

Gene: BRIP1 (BRCA1 interacting DNA helicase 1; minus strand). Cytogenetic location: 17q23.2.
Variant type: single nucleotide variant.
Coding change: c.2063G>A on transcript NM_032043.3 (MANE Select); coding-DNA position 2063, G replaced by A.
Protein change: p.Ser688Asn; replaces serine 688 with asparagine.
Molecular consequence: missense variant.
Genome position (GRCh38, 1-based): chr17:61,776,435, C>T on the plus strand (G>A on the coding strand, the complement: BRIP1 is on the minus strand). VCF-style: chr17-61776435-C-T. GRCh37 (hg19) VCF-style: chr17-59853796-C-T.
Other names: short protein forms S688N.
Identifiers: ClinVar variation 1717032 (VCV001717032.6), dbSNP rs2145027350, ClinGen allele CA400478110.